The following is an entry in ClinVar:

NM_000186.4(CFH):c.380G>C (p.Arg127Pro)

Gene: CFH (complement factor H; plus strand). Cytogenetic location: 1q31.3.
Variant type: single nucleotide variant.
Coding change: c.380G>C on transcript NM_000186.4 (MANE Select); coding-DNA position 380, G replaced by C.
Protein change: p.Arg127Pro; replaces arginine 127 with proline.
Molecular consequence: missense variant.
Genome position (GRCh38, 1-based): chr1:196,676,018, G>C. VCF-style: chr1-196676018-G-C. GRCh37 (hg19) VCF-style: chr1-196645148-G-C.
Other names: c.380G>C, p.Arg127Pro (NM_001014975.3); short protein forms R127P.
Identifiers: ClinVar variation 4291684 (VCV004291684.1).

ClinVar aggregate classification (germline): Uncertain significance (1 of 4 stars; one submission).

Conditions:
Age related macular degeneration 4. Identifiers: MedGen C1853147, MONDO:0012540, OMIM 610698.

gnomAD v4.1: 1 of 1,610,408 alleles (0.000062%); no homozygotes.

Submission:

Genomenon, Inc
Classification: Uncertain significance for Age related macular degeneration 4. Last evaluated: 2025-10-02. Review status: criteria provided, single submitter. Criteria: Genomenon Sequence Variant Interpretation Standards - Updated. Collection method: curation. Allele origin: germline. Affected: yes.
Comment: CFH p.Arg127Pro (c.380G>C) is a missense variant that changes the amino acid at residue 127 from Arginine to Proline. This variant has been observed in at least one proband affected with age-related macular degeneration (PMID:29686068). It is absent or not present at a significant frequency in gnomAD. In conclusion, we classify CFH p.Arg127Pro (c.380G>C) as a variant of uncertain significance.

Literature cited by the submitters: PubMed 29686068.